The following is an entry in ClinVar:

ClinVar aggregate classification (germline): Uncertain significance (1 of 4 stars; one submission).

Conditions:
Osteogenesis imperfecta type 7 (OI7). Also called: OSTEOGENESIS IMPERFECTA, TYPE IIB; Osteogenesis imperfecta type 2B; OI type 2B; Osteogenesis imperfecta, perinatal lethal autosomal recessive; OI type IIB; OI type 7. Identifiers: MedGen C1853162, MONDO:0012536, OMIM 610682.

Submission:

Labcorp Genetics (formerly Invitae), Labcorp
Classification: Uncertain significance for Osteogenesis imperfecta type 7. Last evaluated: 2024-09-10. Review status: criteria provided, single submitter. Criteria: Invitae Variant Classification Sherloc (09022015). Collection method: clinical testing. Allele origin: germline.
Comment: This sequence change replaces valine, which is neutral and non-polar, with glycine, which is neutral and non-polar, at codon 290 of the CRTAP protein (p.Val290Gly). This variant is not present in population databases (gnomAD no frequency). This variant has not been reported in the literature in individuals affected with CRTAP-related conditions. Invitae Evidence Modeling of protein sequence and biophysical properties (such as structural, functional, and spatial information, amino acid conservation, physicochemical variation, residue mobility, and thermodynamic stability) indicates that this missense variant is expected to disrupt CRTAP protein function with a positive predictive value of 80%. Algorithms developed to predict the effect of sequence changes on RNA splicing suggest that this variant may create or strengthen a splice site. In summary, the available evidence is currently insufficient to determine the role of this variant in disease. Therefore, it has been classified as a Variant of Uncertain Significance.

NM_006371.5(CRTAP):c.869T>G (p.Val290Gly)

Gene: CRTAP (cartilage associated protein; plus strand). Cytogenetic location: 3p22.3.
Variant type: single nucleotide variant.
Coding change: c.869T>G on transcript NM_006371.5 (MANE Select); coding-DNA position 869, T replaced by G.
Protein change: p.Val290Gly; replaces valine 290 with glycine.
Molecular consequence: missense variant. On other transcripts: intron variant (1).
Genome position (GRCh38, 1-based): chr3:33,130,014, T>G. VCF-style: chr3-33130014-T-G. GRCh37 (hg19) VCF-style: chr3-33171506-T-G.
Other names: c.869T>G, p.Val290Gly (NM_001393363.1); c.719T>G, p.Val240Gly (NM_001393365.1); c.794-2541T>G (NM_001393364.1); short protein forms V240G, V290G.
Identifiers: ClinVar variation 3657817 (VCV003657817.2).